The following is an entry in ClinVar:

ClinVar aggregate classification (germline): Uncertain significance. Review status: criteria provided, multiple submitters, no conflicts (2 of 4 stars). 2 submissions from 2 submitters: Uncertain significance (2). Last evaluated 2026-01-10.

Conditions:
Myofibrillar myopathy 5. Also called: Filaminopathy (type); FILAMINOPATHY, AUTOSOMAL DOMINANT. Identifiers: Orphanet 171445, MedGen C1836050, MONDO:0012289, OMIM 609524.
Distal myopathy with posterior leg and anterior hand involvement. Also called: WILLIAMS DISTAL MYOPATHY. Identifiers: Orphanet 63273, MedGen C3279722, MONDO:0013550, OMIM 614065.
Hypertrophic cardiomyopathy 26. Also called: Cardiomyopathy, familial hypertrophic, 26. Identifiers: Orphanet 75249, MedGen C4310749, MONDO:0014883, OMIM 617047.

Allele frequency attached by ClinVar (database versions not stated): gnomAD exomes below 0.00001.
gnomAD v4.1: 2 of 1,614,106 alleles (0.00012%); highest among the groups gnomAD compares: Non-Finnish European, 0.00017%; no homozygotes.

Submissions (2):

Labcorp Genetics (formerly Invitae), Labcorp
Classification: Uncertain significance for Distal myopathy with posterior leg and anterior hand involvement; Myofibrillar myopathy 5; Hypertrophic cardiomyopathy 26. Last evaluated: 2026-01-10. Review status: criteria provided, single submitter. Criteria: Invitae Variant Classification Sherloc (09022015). Collection method: clinical testing. Allele origin: germline.
Comment: This sequence change replaces valine, which is neutral and non-polar, with alanine, which is neutral and non-polar, at codon 942 of the FLNC protein (p.Val942Ala). This variant is not present in population databases (gnomAD no frequency). This variant has not been reported in the literature in individuals affected with FLNC-related conditions. ClinVar contains an entry for this variant (Variation ID: 970539). Invitae Evidence Modeling of protein sequence and biophysical properties (such as structural, functional, and spatial information, amino acid conservation, physicochemical variation, residue mobility, and thermodynamic stability) has been performed for this missense variant. However, the output from this modeling did not meet the statistical confidence thresholds required to predict the impact of this variant on FLNC protein function. In summary, the available evidence is currently insufficient to determine the role of this variant in disease. Therefore, it has been classified as a Variant of Uncertain Significance.

Women's Health and Genetics/Laboratory Corporation of America, LabCorp
Classification: Uncertain significance. Last evaluated: 2025-11-11. Review status: criteria provided, single submitter. Criteria: LabCorp Variant Classification Summary - May 2015. Collection method: clinical testing. Allele origin: germline.
Comment: Variant summary: FLNC c.2825T>C (p.Val942Ala) results in a non-conservative amino acid change in the encoded protein sequence. Algorithms developed to predict the effect of missense changes on protein structure and function all suggest that this variant is likely to be disruptive. The variant was absent in 249572 control chromosomes. The available data on variant occurrences in the general population are insufficient to allow any conclusion about variant significance. To our knowledge, no occurrence of c.2825T>C in individuals affected with FLNC-related conditions and no experimental evidence demonstrating its impact on protein function have been reported. ClinVar contains an entry for this variant (Variation ID: 970539). Based on the evidence outlined above, the variant was classified as uncertain significance.

NM_001458.5(FLNC):c.2825T>C (p.Val942Ala)

Gene: FLNC (filamin C; plus strand). Cytogenetic location: 7q32.1.
Variant type: single nucleotide variant.
Coding change: c.2825T>C on transcript NM_001458.5 (MANE Select); coding-DNA position 2825, T replaced by C.
Protein change: p.Val942Ala; replaces valine 942 with alanine.
Molecular consequence: missense variant.
Genome position (GRCh38, 1-based): chr7:128,843,809, T>C. VCF-style: chr7-128843809-T-C. GRCh37 (hg19) VCF-style: chr7-128483863-T-C.
Other names: c.2825T>C, p.Val942Ala (NM_001127487.2); short protein forms V942A.
Identifiers: ClinVar variation 970539 (VCV000970539.10), dbSNP rs1808440244, ClinGen allele CA369193374.